The following is an entry in ClinVar:

NM_004415.4(DSP):c.5976C>A (p.Asp1992Glu)

Gene: DSP (desmoplakin; plus strand). Cytogenetic location: 6p24.3.
Variant type: single nucleotide variant.
Coding change: c.5976C>A on transcript NM_004415.4 (MANE Select); coding-DNA position 5976, C replaced by A.
Protein change: p.Asp1992Glu; replaces aspartic acid 1992 with glutamic acid.
Molecular consequence: missense variant.
Genome position (GRCh38, 1-based): chr6:7,583,238, C>A. VCF-style: chr6-7583238-C-A. GRCh37 (hg19) VCF-style: chr6-7583471-C-A.
Other names: c.4179C>A, p.Asp1393Glu (NM_001008844.3); c.4647C>A, p.Asp1549Glu (NM_001319034.2); c.5976C>A (LRG_423t1); short protein forms D1992E, D1549E, D1393E.
Identifiers: ClinVar variation 191641 (VCV000191641.12), dbSNP rs763921000, ClinGen allele CA006670.

ClinVar aggregate classification (germline): Conflicting classifications of pathogenicity. Review status: criteria provided, conflicting classifications (1 of 4 stars). 3 submissions from 3 submitters: Uncertain significance (2); Likely benign (1). Last evaluated 2023-12-22.

Conditions:
Arrhythmogenic cardiomyopathy with wooly hair and keratoderma. Also called: Arrhythmogenic cardiomyopathy with woolly hair and keratoderma; Dilated cardiomyopathy with woolly hair and keratoderma; PALMOPLANTAR KERATODERMA WITH LEFT VENTRICULAR CARDIOMYOPATHY AND WOOLLY HAIR; Carvajal syndrome. Identifiers: Orphanet 65282, MedGen C1854063, MONDO:0011581, OMIM 605676.
Arrhythmogenic right ventricular dysplasia 8 (ARVD8). Also called: ARRHYTHMOGENIC RIGHT VENTRICULAR DYSPLASIA, FAMILIAL, 8; ARRHYTHMOGENIC RIGHT VENTRICULAR CARDIOMYOPATHY 8; Arrhythmogenic Right Ventricular Dysplasia/Cardiomyopathy 8. Identifiers: MedGen C1843896, MONDO:0011831, OMIM 607450.

Allele frequency attached by ClinVar (database versions not stated): gnomAD exomes below 0.00001 and 0.00001; ExAC 0.00002.
gnomAD v4.1: 4 of 1,614,120 alleles (0.00025%); highest among the groups gnomAD compares: South Asian, 0.0044%; no homozygotes.

Submissions (3):

Labcorp Genetics (formerly Invitae), Labcorp
Classification: Likely benign for Arrhythmogenic cardiomyopathy with wooly hair and keratoderma; Arrhythmogenic right ventricular dysplasia 8. Last evaluated: 2023-12-22. Review status: criteria provided, single submitter. Criteria: Invitae Variant Classification Sherloc (09022015). Collection method: clinical testing. Allele origin: germline.

All of Us Research Program, National Institutes of Health
Classification: Uncertain significance for Arrhythmogenic cardiomyopathy with wooly hair and keratoderma. Last evaluated: 2023-12-13. Review status: criteria provided, single submitter. Criteria: ACMG Guidelines, 2015. Collection method: clinical testing. Allele origin: germline. Inheritance: Autosomal dominant inheritance. Observed: 1 variant allele, 1 heterozygote.
Comment: This missense variant replaces aspartic acid with glutamic acid at codon 1992 of the DSP protein. Computational prediction suggests that this variant may not impact protein structure and function (internally defined REVEL score threshold <= 0.5, PMID: 27666373). To our knowledge, functional studies have not been reported for this variant. This variant has not been reported in individuals affected with cardiovascular disorders in the literature. This variant has been identified in 2/251432 chromosomes in the general population by the Genome Aggregation Database (gnomAD). The available evidence is insufficient to determine the role of this variant in disease conclusively. Therefore, this variant is classified as a Variant of Uncertain Significance.

This study involves interpretation of variants in research participants for the purpose of population health screening. Participant phenotype was not available at the time of variant classification. Additional details can be found in publication PMID: 35346344, PMCID: PMC8962531

Biesecker Lab/Clinical Genomics Section, National Institutes of Health
Classification: Uncertain significance. Last evaluated: 2013-06-24. Review status: criteria provided, single submitter. Criteria: Ng et al. (Circ Cardiovasc Genet. 2013). Collection method: research. Allele origin: unknown. Observed: 1 variant allele. Study: ClinSeq.
Comment: The study set was not selected for affection status in relation to any cancer. Pathogenicity categories were based on literature curation. See Pubmed ID:23861362 for details.

Medical sequencing